The following is an entry in ClinVar:

ClinVar aggregate classification (germline): Conflicting classifications of pathogenicity. Review status: criteria provided, conflicting classifications (1 of 4 stars). 2 submissions from 2 submitters: Uncertain significance (1); Likely benign (1). Last evaluated 2025-08-07.

Conditions:
Inborn genetic diseases. Identifiers: MedGen C0950123, MeSH D030342.

Allele frequency attached by ClinVar (database versions not stated): gnomAD 0.00001; ExAC 0.00005; TOPMed 0.00003.
gnomAD v4.1: 32 of 1,614,080 alleles (0.002%); highest among the groups gnomAD compares: East Asian, 0.016%; no homozygotes.

Submissions (2):

Labcorp Genetics (formerly Invitae), Labcorp
Classification: Uncertain significance. Last evaluated: 2025-08-07. Review status: criteria provided, single submitter. Criteria: Invitae Variant Classification Sherloc (09022015). Collection method: clinical testing. Allele origin: germline.
Comment: This sequence change replaces valine, which is neutral and non-polar, with isoleucine, which is neutral and non-polar, at codon 546 of the DIP2C protein (p.Val546Ile). This variant is present in population databases (rs778121403, gnomAD 0.02%). This variant has not been reported in the literature in individuals affected with DIP2C-related conditions. ClinVar contains an entry for this variant (Variation ID: 2989608). An algorithm developed to predict the effect of missense changes on protein structure and function (PolyPhen-2) suggests that this variant is likely to be disruptive. In summary, the available evidence is currently insufficient to determine the role of this variant in disease. Therefore, it has been classified as a Variant of Uncertain Significance.

Ambry Genetics
Classification: Likely benign for Inborn genetic diseases. Last evaluated: 2025-05-07. Review status: criteria provided, single submitter. Criteria: Ambry Variant Classification Scheme 2023. Collection method: clinical testing. Allele origin: germline.

NM_014974.3(DIP2C):c.1636G>A (p.Val546Ile)

Gene: DIP2C (DIP2 acetate--CoA ligase C (putative); minus strand). Cytogenetic location: 10p15.3.
Variant type: single nucleotide variant.
Coding change: c.1636G>A on transcript NM_014974.3 (MANE Select); coding-DNA position 1636, G replaced by A.
Protein change: p.Val546Ile; replaces valine 546 with isoleucine.
Molecular consequence: missense variant.
Genome position (GRCh38, 1-based): chr10:387,771, C>T on the plus strand (G>A on the coding strand, the complement: DIP2C is on the minus strand). VCF-style: chr10-387771-C-T. GRCh37 (hg19) VCF-style: chr10-433711-C-T.
Other names: c.1636G>A (NM_014974.2); short protein forms V546I.
Identifiers: ClinVar variation 2989608 (VCV002989608.4), dbSNP rs778121403, ClinGen allele CA5380836.